The following is an entry in ClinVar:

ClinVar aggregate classification (germline): Uncertain significance (1 of 4 stars; one submission).

Submission:

GeneDx
Classification: Uncertain significance. Last evaluated: 2024-11-11. Review status: criteria provided, single submitter. Criteria: GeneDx Variant Classification Process June 2021. Collection method: clinical testing. Allele origin: germline. Affected: yes.
Comment: Not observed at significant frequency in large population cohorts (gnomAD); In silico analysis supports that this missense variant has a deleterious effect on protein structure/function; Has not been previously published as pathogenic or benign to our knowledge

NM_006445.4(PRPF8):c.4715C>T (p.Ser1572Phe)

Gene: PRPF8 (pre-mRNA processing factor 8; minus strand). Cytogenetic location: 17p13.3.
Variant type: single nucleotide variant.
Coding change: c.4715C>T on transcript NM_006445.4 (MANE Select); coding-DNA position 4715, C replaced by T.
Protein change: p.Ser1572Phe; replaces serine 1572 with phenylalanine.
Molecular consequence: missense variant.
Genome position (GRCh38, 1-based): chr17:1,660,502, G>A on the plus strand (C>T on the coding strand, the complement: PRPF8 is on the minus strand). VCF-style: chr17-1660502-G-A. GRCh37 (hg19) VCF-style: chr17-1563796-G-A.
Other names: short protein forms S1572F.
Identifiers: ClinVar variation 3899064 (VCV003899064.1).